The following is an entry in ClinVar:

NM_144980.4(C6orf118):c.219G>A (p.Pro73=)

Gene: C6orf118 (chromosome 6 open reading frame 118; minus strand). Cytogenetic location: 6q27.
Variant type: single nucleotide variant.
Coding change: c.219G>A on transcript NM_144980.4 (MANE Select); coding-DNA position 219, G replaced by A.
Protein change: p.Pro73=; no amino-acid change (proline 73 retained).
Molecular consequence: synonymous variant.
Genome position (GRCh38, 1-based): chr6:165,302,103, C>T on the plus strand (G>A on the coding strand, the complement: C6orf118 is on the minus strand). VCF-style: chr6-165302103-C-T. GRCh37 (hg19) VCF-style: chr6-165715592-C-T.
Identifiers: ClinVar variation 5040495 (VCV005040495.1).

ClinVar aggregate classification (germline): Likely benign (1 of 4 stars; one submission).

Submission:

CeGaT Center for Human Genetics Tuebingen
Classification: Likely benign. Last evaluated: 2026-08-01. Review status: criteria provided, single submitter. Criteria: CeGaT Center For Human Genetics Tuebingen Variant Classification Criteria Version 2. Collection method: clinical testing. Allele origin: germline. Affected: yes. Observed: 1 variant allele.
Comment: C6orf118: BP4, BP7